The following is an entry in ClinVar:

NM_001267550.2(TTN):c.95035G>A (p.Asp31679Asn)

Genes: TTN (titin; minus strand), TTN-AS1 (TTN antisense RNA 1; plus strand). Cytogenetic location: 2q31.2.
Variant type: single nucleotide variant.
Coding change: c.95035G>A on transcript NM_001267550.2 (MANE Select); coding-DNA position 95035, G replaced by A.
Protein change: p.Asp31679Asn; replaces aspartic acid 31679 with asparagine.
Molecular consequence: missense variant.
Genome position (GRCh38, 1-based): chr2:178,546,296, C>T on the plus strand (G>A on the coding strand, the complement: TTN is on the minus strand). VCF-style: chr2-178546296-C-T. GRCh37 (hg19) VCF-style: chr2-179411023-C-T.
Other names: p.D30038N:GAC>AAC; c.68215G>A, p.Asp22739Asn (NM_133432.3); c.68416G>A, p.Asp22806Asn (NM_133437.4); c.90112G>A, p.Asp30038Asn (NM_001256850.1); c.67840G>A, p.Asp22614Asn (NM_003319.4); c.87331G>A, p.Asp29111Asn (NM_133378.4); short protein forms D31679N, D29111N, D30038N, D22614N, D22739N, D22806N.
Identifiers: ClinVar variation 47546 (VCV000047546.46), dbSNP rs116567963, ClinGen allele CA284095.

ClinVar aggregate classification (germline): Benign/Likely benign. Review status: criteria provided, multiple submitters, no conflicts (2 of 4 stars). 25 submissions from 18 submitters: Benign (15); Likely benign (7). 3 of the submissions do not count toward it. Last evaluated 2026-02-03.

Conditions:
Cardiovascular phenotype. Identifiers: MedGen CN230736.
Autosomal recessive limb-girdle muscular dystrophy type 2J (LGMDR10). Also called: Limb-girdle muscular dystrophy, type 2J; MUSCULAR DYSTROPHY, LIMB-GIRDLE, AUTOSOMAL RECESSIVE 10. Identifiers: Orphanet 140922, MedGen C1837342, MONDO:0012127, OMIM 608807.
Dilated cardiomyopathy 1G (CMD1G). Identifiers: Orphanet 154, MedGen C1858763, MONDO:0011400, OMIM 604145.
Hypertrophic cardiomyopathy 9. Also called: Familial hypertrophic cardiomyopathy 9. Identifiers: MedGen C1861065, MONDO:0013412, OMIM 613765.
Tibial muscular dystrophy (TMD). Also called: UDD MYOPATHY; Udd Distal Myopathy – Tibial Muscular Dystrophy; Tibial muscular dystrophy, tardive. Identifiers: Orphanet 609, MedGen C1838244, MONDO:0010870, OMIM 600334.
Early-onset myopathy with fatal cardiomyopathy (CMYO5). Also called: Salih Myopathy; CONGENITAL MYOPATHY 5 WITH CARDIOMYOPATHY. Identifiers: Orphanet 289377, MedGen C2673677, MONDO:0012714, OMIM 611705. Disease mechanism: loss of function.
Myopathy, myofibrillar, 9, with early respiratory failure (MFM9). Also called: Hereditary myopathy with early respiratory failure; EDSTROM MYOPATHY; MYOPATHY, PROXIMAL, WITH EARLY RESPIRATORY MUSCLE INVOLVEMENT; Myopathy, distal, with early respiratory failure, autosomal dominant. Identifiers: Orphanet 178464, Orphanet 34521, MedGen C1863599, MONDO:0011362, OMIM 603689.
Cardiomyopathy (CMYO). Also called: Cardiomyopathies. Identifiers: Orphanet 167848, MedGen C0878544, MONDO:0004994, HP:0001638. Inheritance: Various modes of inheritance.

Allele frequency attached by ClinVar (database versions not stated): gnomAD exomes 0.00041 and 0.00111; ExAC 0.00142; 1000 Genomes Project 0.00399; gnomAD 0.00447 and 0.00481; ESP Exome Variant Server 0.00493; 1000 Genomes Project 30x 0.00500; TOPMed 0.00504.
gnomAD v4.1: 1,307 of 1,613,858 alleles (0.081%); highest among the groups gnomAD compares: African/African-American, 1.6%; 8 homozygotes.

Submissions (25):

Labcorp Genetics (formerly Invitae), Labcorp
Classification: Benign for Dilated cardiomyopathy 1G; Autosomal recessive limb-girdle muscular dystrophy type 2J. Last evaluated: 2026-02-03. Review status: criteria provided, single submitter. Criteria: Invitae Variant Classification Sherloc (09022015). Collection method: clinical testing. Allele origin: germline.

Molecular Diagnostic Laboratory for Inherited Cardiovascular Disease, Montreal Heart Institute
Classification: Benign. Last evaluated: 2025-04-09. Review status: criteria provided, single submitter. Criteria: ACMG Guidelines, 2015. Collection method: clinical testing. Allele origin: germline. Affected: no.

Mayo Clinic Laboratories, Mayo Clinic
Classification: Likely benign. Last evaluated: 2025-02-04. Review status: criteria provided, single submitter. Criteria: ACMG Guidelines, 2015. Collection method: clinical testing. Allele origin: germline. Observed: 14 variant alleles.
Comment: BA1

Athena Diagnostics
Classification: Benign. Last evaluated: 2024-10-17. Review status: criteria provided, single submitter. Criteria: Athena Diagnostics Criteria. Collection method: clinical testing. Allele origin: unknown.

Blueprint Genetics
Classification: Likely benign. Last evaluated: 2024-08-28. Review status: criteria provided, single submitter. Criteria: ACMG Guidelines, 2015. Collection method: clinical testing. Allele origin: germline.

ARUP Laboratories, Molecular Genetics and Genomics, ARUP Laboratories
Classification: Likely benign. Last evaluated: 2024-06-21. Review status: criteria provided, single submitter. Criteria: ARUP Molecular Germline Variant Investigation Process 2024. Collection method: clinical testing. Allele origin: germline.

Fulgent Genetics
Classification: Benign for Tibial muscular dystrophy; Myopathy, myofibrillar, 9, with early respiratory failure; Dilated cardiomyopathy 1G; Autosomal recessive limb-girdle muscular dystrophy type 2J; Early-onset myopathy with fatal cardiomyopathy; Hypertrophic cardiomyopathy 9. Last evaluated: 2022-04-22. Review status: criteria provided, single submitter. Criteria: ACMG Guidelines, 2015. Collection method: clinical testing. Allele origin: unknown.

Genome-Nilou Lab
Classification: Benign for Autosomal recessive limb-girdle muscular dystrophy type 2J. Last evaluated: 2021-09-10. Review status: criteria provided, single submitter. Criteria: ACMG Guidelines, 2015. Collection method: clinical testing. Allele origin: germline. Affected: no.

Genome-Nilou Lab
Classification: Benign for Myopathy, myofibrillar, 9, with early respiratory failure. Last evaluated: 2021-09-10. Review status: criteria provided, single submitter. Criteria: ACMG Guidelines, 2015. Collection method: clinical testing. Allele origin: germline. Affected: no.

Genome-Nilou Lab
Classification: Benign for Early-onset myopathy with fatal cardiomyopathy. Last evaluated: 2021-09-10. Review status: criteria provided, single submitter. Criteria: ACMG Guidelines, 2015. Collection method: clinical testing. Allele origin: germline. Affected: no.

Genome-Nilou Lab
Classification: Benign for Tibial muscular dystrophy. Last evaluated: 2021-09-10. Review status: criteria provided, single submitter. Criteria: ACMG Guidelines, 2015. Collection method: clinical testing. Allele origin: germline. Affected: no.

CHEO Genetics Diagnostic Laboratory, Children's Hospital of Eastern Ontario
Classification: Benign for Cardiomyopathy. Last evaluated: 2020-11-13. Review status: criteria provided, single submitter. Criteria: ACMG Guidelines, 2015. Collection method: clinical testing. Allele origin: germline.

Women's Health and Genetics/Laboratory Corporation of America, LabCorp
Classification: Likely benign. Last evaluated: 2020-10-17. Review status: criteria provided, single submitter. Criteria: LabCorp Variant Classification Summary - May 2015. Collection method: clinical testing. Allele origin: germline.

Illumina Laboratory Services, Illumina
Classification: Benign for Myopathy, myofibrillar, 9, with early respiratory failure. Last evaluated: 2018-01-12. Review status: criteria provided, single submitter. Criteria: ICSL Variant Classification Criteria 13 December 2019. Collection method: clinical testing. Allele origin: germline.
Comment: This variant was observed in the ICSL laboratory as part of a predisposition screen in an ostensibly healthy population. It had not been previously curated by ICSL or reported in the Human Gene Mutation Database (HGMD: prior to June 1st, 2018), and was therefore a candidate for classification through an automated scoring system. Utilizing variant allele frequency, disease prevalence and penetrance estimates, and inheritance mode, an automated score was calculated to assess if this variant is too frequent to cause the disease. Based on the score and internal cut-off values, a variant classified as benign is not then subjected to further curation. The score for this variant resulted in a classification of benign for this disease.

Illumina Laboratory Services, Illumina
Classification: Likely benign for Early-onset myopathy with fatal cardiomyopathy. Last evaluated: 2018-01-12. Review status: criteria provided, single submitter. Criteria: ICSL Variant Classification Criteria 13 December 2019. Collection method: clinical testing. Allele origin: germline.
Comment: This variant was observed in the ICSL laboratory as part of a predisposition screen in an ostensibly healthy population. It had not been previously curated by ICSL or reported in the Human Gene Mutation Database (HGMD: prior to June 1st, 2018), and was therefore a candidate for classification through an automated scoring system. Utilizing variant allele frequency, disease prevalence and penetrance estimates, and inheritance mode, an automated score was calculated to assess if this variant is too frequent to cause the disease. Based on the score and internal cut-off values, a variant classified as likely benign is not then subjected to further curation. The score for this variant resulted in a classification of likely benign for this disease.

Illumina Laboratory Services, Illumina
Classification: Likely benign for Autosomal recessive limb-girdle muscular dystrophy type 2J. Last evaluated: 2018-01-12. Review status: criteria provided, single submitter. Criteria: ICSL Variant Classification Criteria 13 December 2019. Collection method: clinical testing. Allele origin: germline.
Comment: the same text as in the submission from Illumina Laboratory Services, Illumina above.

Illumina Laboratory Services, Illumina
Classification: Benign for Tibial muscular dystrophy. Last evaluated: 2018-01-12. Review status: criteria provided, single submitter. Criteria: ICSL Variant Classification Criteria 13 December 2019. Collection method: clinical testing. Allele origin: germline.
Comment: the same text as in the submission from Illumina Laboratory Services, Illumina above.

Illumina Laboratory Services, Illumina
Classification: Likely benign for Dilated cardiomyopathy 1G. Last evaluated: 2018-01-12. Review status: criteria provided, single submitter. Criteria: ICSL Variant Classification Criteria 13 December 2019. Collection method: clinical testing. Allele origin: germline.
Comment: the same text as in the submission from Illumina Laboratory Services, Illumina above.

Ambry Genetics
Classification: Benign for Cardiovascular phenotype. Last evaluated: 2015-12-31. Review status: criteria provided, single submitter. Criteria: Ambry Variant Classification Scheme 2023. Collection method: clinical testing. Allele origin: germline.

Biesecker Lab/Clinical Genomics Section, National Institutes of Health
Classification: Benign. Last evaluated: 2013-06-24. Review status: criteria provided, single submitter. Criteria: Ng et al. (Circ Cardiovasc Genet. 2013). Collection method: research. Allele origin: unknown. Observed: 1 variant allele. Study: ClinSeq.
Comment: The study set was not selected for affection status in relation to any cancer. Pathogenicity categories were based on literature curation. See Pubmed ID:23861362 for details.

Medical sequencing

GeneDx
Classification: Benign. Last evaluated: 2013-04-08. Review status: criteria provided, single submitter. Criteria: GeneDx Variant Classification (06012015). Collection method: clinical testing. Allele origin: germline. Affected: yes.
Comment: This variant is considered likely benign or benign based on one or more of the following criteria: it is a conservative change, it occurs at a poorly conserved position in the protein, it is predicted to be benign by multiple in silico algorithms, and/or has population frequency not consistent with disease.

Laboratory for Molecular Medicine, Mass General Brigham Personalized Medicine
Classification: Benign. Last evaluated: 2012-03-19. Review status: criteria provided, single submitter. Criteria: LMM Criteria. Collection method: clinical testing. Allele origin: germline. Observed: 13 variant alleles.
Comment: Asp29111Asn in exon 291 of TTN: This variant is not expected to have clinical si gnificance because it has been identified in 1.4% (44/3210) of African American chromosomes from a broad population by the NHLBI Exome Sequencing Project (dbSNP rs116567963)

Clinical Genetics DNA and cytogenetics Diagnostics Lab, Erasmus MC, Erasmus Medical Center
Classification: Benign. Review status: no assertion criteria provided. Collection method: clinical testing. Allele origin: germline. Affected: yes. Study: VKGL Data-share Consensus. Not counted in ClinVar's aggregate classification.

Clinical Genetics, Academic Medical Center
Classification: Benign. Review status: no assertion criteria provided. Collection method: clinical testing. Allele origin: germline. Affected: yes. Study: VKGL Data-share Consensus. Not counted in ClinVar's aggregate classification.

Joint Genome Diagnostic Labs from Nijmegen and Maastricht, Radboudumc and MUMC+
Classification: Benign. Review status: no assertion criteria provided. Collection method: clinical testing. Allele origin: germline. Affected: yes. Study: VKGL Data-share Consensus. Not counted in ClinVar's aggregate classification.

Literature cited by the submitters: PubMed 23675308 (cited by Athena Diagnostics); PubMed 30086531 (cited by Athena Diagnostics); PubMed 33540853 (cited by Athena Diagnostics); PubMed 29420653 (cited by Athena Diagnostics).